The following is an entry in ClinVar:

NM_004817.4(TJP2):c.2884A>C (p.Ile962Leu)

Gene: TJP2 (tight junction protein 2; plus strand). Cytogenetic location: 9q21.11.
Variant type: single nucleotide variant.
Coding change: c.2884A>C on transcript NM_004817.4 (MANE Select); coding-DNA position 2884, A replaced by C.
Protein change: p.Ile962Leu; replaces isoleucine 962 with leucine.
Molecular consequence: missense variant. On other transcripts: intron variant (6).
Genome position (GRCh38, 1-based): chr9:69,249,378, A>C. VCF-style: chr9-69249378-A-C. GRCh37 (hg19) VCF-style: chr9-71864294-A-C.
Other names: c.2977A>C, p.Ile993Leu (NM_001170416.2); c.2809A>C, p.Ile937Leu (NM_001369870.1); c.2815A>C, p.Ile939Leu (NM_001369871.1); c.2896A>C, p.Ile966Leu (NM_001369875.1); c.2811+1154A>C (NM_001170414.2); c.2880+1154A>C (NM_201629.3, NM_001369872.1); c.2668-1657A>C (NM_001369873.1); c.2892+1154A>C (NM_001170415.1, NM_001369874.1); short protein forms I937L, I939L, I962L, I966L, I993L.
Identifiers: ClinVar variation 2446571 (VCV002446571.3), dbSNP rs199704587, ClinGen allele CA373539324.
Genomic context (GRCh38, chr9:69,249,378, plus strand): 5'-TGCTCTGTTCTCTCTGCTTGGATGTTCTTGTTGTGAATGAACCTTTATGTCTTGTAGAGC[A>C]TAAGGAAACCCAGCCCAGAGCCACGAGCTCAGATGAGGAGGGCTGCTAGCAGCGATCAAC-3'
Protein context (NP_004808.2, residues 952-972): SSEPVQHEES[Ile962Leu]RKPSPEPRAQ

ClinVar aggregate classification (germline): Uncertain significance (1 of 4 stars; one submission).

gnomAD v4.1: 2 of 1,608,470 alleles (0.00012%); highest among the groups gnomAD compares: East Asian, 0.0045%; no homozygotes.

Submission:

GeneDx
Classification: Uncertain significance. Last evaluated: 2025-11-13. Review status: criteria provided, single submitter. Criteria: GeneDx Variant Classification Process June 2021. Collection method: clinical testing. Allele origin: germline. Affected: yes.
Comment: Not observed at significant frequency in large population cohorts (gnomAD); In silico analysis suggests that this missense variant does not alter protein structure/function; Has not been previously published as pathogenic or benign to our knowledge